The following is an entry in ClinVar:

NM_177438.3(DICER1):c.4423A>C (p.Thr1475Pro)

Gene: DICER1 (dicer 1, ribonuclease III; minus strand). Cytogenetic location: 14q32.13.
Variant type: single nucleotide variant.
Coding change: c.4423A>C on transcript NM_177438.3 (MANE Select); coding-DNA position 4423, A replaced by C.
Protein change: p.Thr1475Pro; replaces threonine 1475 with proline.
Molecular consequence: missense variant. On other transcripts: non-coding transcript variant (6).
Genome position (GRCh38, 1-based): chr14:95,096,497, T>G on the plus strand (A>C on the coding strand, the complement: DICER1 is on the minus strand). VCF-style: chr14-95096497-T-G. GRCh37 (hg19) VCF-style: chr14-95562834-T-G.
Other names: c.4423A>C, p.Thr1475Pro (NM_001195573.1, NM_001271282.3, NM_001291628.2 and 13 more transcripts); c.4141A>C, p.Thr1381Pro (NM_001395686.1); c.4018A>C, p.Thr1340Pro (NM_001395687.1, NM_001395688.1, NM_001395689.1 and 2 more transcripts); c.3856A>C, p.Thr1286Pro (NM_001395691.1); c.2740A>C, p.Thr914Pro (NM_001395697.1); short protein forms T1286P, T1340P, T1381P, T1475P, T914P.
Identifiers: ClinVar variation 1718435 (VCV001718435.6), dbSNP rs150883389, ClinGen allele CA390868646.

ClinVar aggregate classification (germline): Uncertain significance (1 of 4 stars; one submission).

Conditions:
DICER1-related tumor predisposition. Also called: DICER1 syndrome; DICER1-related pleuropulmonary blastoma cancer predisposition syndrome. Identifiers: Orphanet 284343, MedGen C3839822, MONDO:0100216.

Submission:

Labcorp Genetics (formerly Invitae), Labcorp
Classification: Uncertain significance for DICER1-related tumor predisposition. Last evaluated: 2022-08-31. Review status: criteria provided, single submitter. Criteria: Invitae Variant Classification Sherloc (09022015). Collection method: clinical testing. Allele origin: germline.
Comment: In summary, the available evidence is currently insufficient to determine the role of this variant in disease. Therefore, it has been classified as a Variant of Uncertain Significance. Algorithms developed to predict the effect of missense changes on protein structure and function output the following: SIFT: "Tolerated"; PolyPhen-2: "Benign"; Align-GVGD: "Class C0". The proline amino acid residue is found in multiple mammalian species, which suggests that this missense change does not adversely affect protein function. This variant has not been reported in the literature in individuals affected with DICER1-related conditions. This variant is not present in population databases (gnomAD no frequency). This sequence change replaces threonine, which is neutral and polar, with proline, which is neutral and non-polar, at codon 1475 of the DICER1 protein (p.Thr1475Pro).